The following is an entry in ClinVar:

ClinVar aggregate classification (germline): Conflicting classifications of pathogenicity. Review status: criteria provided, conflicting classifications (1 of 4 stars). 2 submissions from 2 submitters: Uncertain significance (1); Likely benign (1). Last evaluated 2020-04-20.

Conditions:
Intellectual disability. Also called: Intellectual functioning disability; Intellectual developmental disorder; intellectual disabilities. Identifiers: MedGen C3714756, MeSH D008607, MONDO:0001071, HP:0001249.

Allele frequency attached by ClinVar (database versions not stated): gnomAD exomes below 0.00001.
gnomAD v4.1: 3 of 1,602,962 alleles (0.00019%); highest among the groups gnomAD compares: East Asian, 0.0022%; no homozygotes.

Submissions (2):

Diagnostic Laboratory, Strasbourg University Hospital
Classification: Likely benign for Intellectual disability. Last evaluated: 2020-04-20. Review status: criteria provided, single submitter. Criteria: ACMG Guidelines, 2015. Collection method: clinical testing. Allele origin: paternal. Inheritance: Autosomal dominant inheritance. Affected: yes. Observed: 1 heterozygote.

Labcorp Genetics (formerly Invitae), Labcorp
Classification: Uncertain significance. Last evaluated: 2019-06-24. Review status: criteria provided, single submitter. Criteria: Invitae Variant Classification Sherloc (09022015). Collection method: clinical testing. Allele origin: germline.
Comment: In summary, the available evidence is currently insufficient to determine the role of this variant in disease. Therefore, it has been classified as a Variant of Uncertain Significance. The current clinical and genetic evidence is not sufficient to establish whether loss-of-function variants in NEDD4L cause disease. This variant has not been reported in the literature in individuals with NEDD4L-related conditions. This variant is not present in population databases (ExAC no frequency). This sequence change creates a premature translational stop signal (p.Arg147*) in the NEDD4L gene. It is expected to result in an absent or disrupted protein product.

NM_001144967.3(NEDD4L):c.439C>T (p.Arg147Ter)

Gene: NEDD4L (NEDD4 like E3 ubiquitin protein ligase; plus strand). Cytogenetic location: 18q21.31.
Variant type: single nucleotide variant.
Coding change: c.439C>T on transcript NM_001144967.3 (MANE Select); coding-DNA position 439, C replaced by T.
Protein change: p.Arg147Ter; replaces arginine 147 with a stop codon.
Molecular consequence: nonsense.
Genome position (GRCh38, 1-based): chr18:58,323,260, C>T. VCF-style: chr18-58323260-C-T. GRCh37 (hg19) VCF-style: chr18-55990492-C-T.
Other names: c.76C>T, p.Arg26Ter (NM_001144964.1, NM_001144965.2, NM_001144966.3 and 2 more transcripts); c.415C>T, p.Arg139Ter (NM_001144968.2, NM_001144969.2); c.439C>T, p.Arg147Ter (NM_001243960.2, NM_015277.6); short protein forms R139*, R147*, R26*.
Identifiers: ClinVar variation 939618 (VCV000939618.10), dbSNP rs748006260, ClinGen allele CA402551929.